The following is an entry in ClinVar:

ClinVar aggregate classification (germline): Likely pathogenic. Review status: criteria provided, multiple submitters, no conflicts (2 of 4 stars). 2 submissions from 2 submitters: Likely pathogenic (2). Last evaluated 2025-07-14.

Conditions:
Microcephaly 5, primary, autosomal recessive (MCPH5). Also called: ASPM Primary Microcephaly. Identifiers: Orphanet 2512, MedGen C1837501, MONDO:0012106, OMIM 608716.
ASPM-related disorder. Also called: ASPM-related condition.

Submissions (2):

3billion
Classification: Likely pathogenic for Microcephaly 5, primary, autosomal recessive. Last evaluated: 2025-07-14. Review status: criteria provided, single submitter. Criteria: ACMG Guidelines, 2015. Collection method: clinical testing. Allele origin: germline. Affected: yes.
Comment: The variant is not observed in the gnomAD v4.1.0 dataset. Predicted Consequence/Location: Stop-gained (nonsense): predicted to result in a loss or disruption of normal protein function through nonsense-mediated decay (NMD) or protein truncation. Multiple pathogenic variants are reported downstream of the variant. Therefore, this variant is classified as Likely pathogenic according to the recommendation of ACMG/AMP guideline.

Blueprint Genetics
Classification: Likely pathogenic for ASPM-related disorders. Last evaluated: 2021-12-14. Review status: criteria provided, single submitter. Criteria: ACMG Guidelines, 2015. Collection method: clinical testing. Allele origin: germline. Affected: yes. Observed: 1 variant allele.

NM_018136.5(ASPM):c.934C>T (p.Gln312Ter)

Gene: ASPM (assembly factor for spindle microtubules; minus strand). Cytogenetic location: 1q31.3.
Variant type: single nucleotide variant.
Coding change: c.934C>T on transcript NM_018136.5 (MANE Select); coding-DNA position 934, C replaced by T.
Protein change: p.Gln312Ter; replaces glutamine 312 with a stop codon.
Molecular consequence: nonsense.
Genome position (GRCh38, 1-based): chr1:197,143,318, G>A on the plus strand (C>T on the coding strand, the complement: ASPM is on the minus strand). VCF-style: chr1-197143318-G-A. GRCh37 (hg19) VCF-style: chr1-197112448-G-A.
Other names: c.934C>T, p.Gln312Ter (NM_001206846.2); short protein forms Q312*.
Identifiers: ClinVar variation 4854253 (VCV004854253.2).